The following is an entry in ClinVar:

ClinVar aggregate classification (germline): Pathogenic/Likely pathogenic. Review status: criteria provided, multiple submitters, no conflicts (2 of 4 stars). 2 submissions from 2 submitters: Pathogenic (1); Likely pathogenic (1). Last evaluated 2025-05-23.

Conditions:
Hereditary spastic paraplegia 3A (SPG3A). Also called: SPASTIC PARAPLEGIA 3, AUTOSOMAL DOMINANT; FAMILIAL SPASTIC PARAPLEGIA, AUTOSOMAL DOMINANT, 1; SPG3; STRUMPELL DISEASE; Spastic Paraplegia 3A; Spastic paraplegia 3A, autosomal dominant. Identifiers: Orphanet 100984, MedGen C2931355, MONDO:0008437, OMIM 182600.

Submissions (2):

Labcorp Genetics (formerly Invitae), Labcorp
Classification: Pathogenic for Hereditary spastic paraplegia 3A. Last evaluated: 2025-05-23. Review status: criteria provided, single submitter. Criteria: Invitae Variant Classification Sherloc (09022015). Collection method: clinical testing. Allele origin: germline.
Comment: This sequence change replaces methionine, which is neutral and non-polar, with isoleucine, which is neutral and non-polar, at codon 347 of the ATL1 protein (p.Met347Ile). This variant is not present in population databases (gnomAD no frequency). This missense change has been observed in individuals with autosomal dominant hereditary spastic paraplegia (PMID: 31594988; internal data). It has also been observed to segregate with disease in related individuals. ClinVar contains an entry for this variant (Variation ID: 538583). Invitae Evidence Modeling of protein sequence and biophysical properties (such as structural, functional, and spatial information, amino acid conservation, physicochemical variation, residue mobility, and thermodynamic stability) has been performed for this missense variant. However, the output from this modeling did not meet the statistical confidence thresholds required to predict the impact of this variant on ATL1 protein function. This variant disrupts the p.Met347 amino acid residue in ATL1. Other variant(s) that disrupt this residue have been determined to be pathogenic (PMID: 21321493, 25637064). This suggests that this residue is clinically significant, and that variants that disrupt this residue are likely to be disease-causing. For these reasons, this variant has been classified as Pathogenic.

Institute of Human Genetics, FAU Erlangen, Friedrich-Alexander-Universität Erlangen-Nürnberg
Classification: Likely pathogenic. Last evaluated: 2024-01-22. Review status: criteria provided, single submitter. Criteria: Hauer et al. (Genet Med. 2018). Collection method: clinical testing. Allele origin: germline. Inheritance: Autosomal dominant inheritance. Affected: yes. Observed: 1 variant allele.
Comment: This variant has been identified by standard clinical testing. cerebral palsy Selected ACMG criteria: Likely pathogenic (II):PP3;PM5;PM2;PS2

Literature cited by the submitters: PubMed 31594988 (cited by Labcorp Genetics (formerly Invitae), Labcorp); PubMed 21321493 (cited by Labcorp Genetics (formerly Invitae), Labcorp); PubMed 25637064 (cited by Labcorp Genetics (formerly Invitae), Labcorp).

NM_015915.5(ATL1):c.1041G>A (p.Met347Ile)

Gene: ATL1 (atlastin GTPase 1; plus strand). Cytogenetic location: 14q22.1.
Variant type: single nucleotide variant.
Coding change: c.1041G>A on transcript NM_015915.5 (MANE Select); coding-DNA position 1041, G replaced by A.
Protein change: p.Met347Ile; replaces methionine 347 with isoleucine.
Molecular consequence: missense variant.
Genome position (GRCh38, 1-based): chr14:50,621,893, G>A. VCF-style: chr14-50621893-G-A. GRCh37 (hg19) VCF-style: chr14-51088611-G-A.
Other names: c.1041G>A, p.Met347Ile (NM_001127713.1, NM_181598.4); short protein forms M347I.
Identifiers: ClinVar variation 538583 (VCV000538583.12), dbSNP rs1555365512, ClinGen allele CA389673664.